The following is an entry in ClinVar:

NM_000321.3(RB1):c.1932T>C (p.Ser644=)

Gene: RB1 (RB transcriptional corepressor 1; plus strand). Cytogenetic location: 13q14.2.
Variant type: single nucleotide variant.
Coding change: c.1932T>C on transcript NM_000321.3 (MANE Select); coding-DNA position 1932, T replaced by C.
Protein change: p.Ser644=; no amino-acid change (serine 644 retained).
Molecular consequence: synonymous variant.
Genome position (GRCh38, 1-based): chr13:48,456,321, T>C. VCF-style: chr13-48456321-T-C. GRCh37 (hg19) VCF-style: chr13-49030457-T-C.
Identifiers: ClinVar variation 1661074 (VCV001661074.11), dbSNP rs2138331538, ClinGen allele CA483558891.

ClinVar aggregate classification (germline): Benign/Likely benign. Review status: criteria provided, multiple submitters, no conflicts (2 of 4 stars). 3 submissions from 3 submitters: Benign (1); Likely benign (2). Last evaluated 2026-06-25.

Conditions:
Retinoblastoma (RB1). Also called: RETINOBLASTOMA, SOMATIC. Identifiers: Orphanet 790, MedGen C0035335, MeSH D012175, MONDO:0008380, OMIM 180200, HP:0009919. Disease mechanism: loss of function. Inheritance: Both sporadic and heritable forms are tested..
Hereditary cancer-predisposing syndrome. Also called: Neoplastic Syndromes, Hereditary; Tumor predisposition; Hereditary neoplastic syndrome; Hereditary Cancer Syndrome. Identifiers: Orphanet 140162, MedGen C0027672, MeSH D009386, MONDO:0015356.

Allele frequency attached by ClinVar (database versions not stated): gnomAD exomes below 0.00001.
gnomAD v4.1: 1 of 1,614,230 alleles (0.000062%); highest among the groups gnomAD compares: Non-Finnish European, 0.000085%; no homozygotes.

Submissions (3):

Myriad Genetics, Inc.
Classification: Benign for Retinoblastoma. Last evaluated: 2026-06-25. Review status: criteria provided, single submitter. Criteria: Myriad Autosomal Dominant, Autosomal Recessive and X-Linked Classification Criteria (2023). Collection method: clinical testing. Allele origin: unknown.
Comment: This variant is considered benign. This variant is a silent/synonymous amino acid change and it is not expected to impact splicing.

Ambry Genetics
Classification: Likely benign for Hereditary cancer-predisposing syndrome. Last evaluated: 2021-09-02. Review status: criteria provided, single submitter. Criteria: Ambry Variant Classification Scheme 2023. Collection method: clinical testing. Allele origin: germline.

Labcorp Genetics (formerly Invitae), Labcorp
Classification: Likely benign for Retinoblastoma. Last evaluated: 2021-05-31. Review status: criteria provided, single submitter. Criteria: Invitae Variant Classification Sherloc (09022015). Collection method: clinical testing. Allele origin: germline.